The following is an entry in ClinVar:

NM_000059.4(BRCA2):c.7823C>T (p.Pro2608Leu)

Gene: BRCA2 (BRCA2 DNA repair associated; plus strand). Cytogenetic location: 13q13.1.
Variant type: single nucleotide variant.
Coding change: c.7823C>T on transcript NM_000059.4 (MANE Select); coding-DNA position 7823, C replaced by T.
Protein change: p.Pro2608Leu; replaces proline 2608 with leucine.
Molecular consequence: missense variant.
Genome position (GRCh38, 1-based): chr13:32,362,540, C>T. VCF-style: chr13-32362540-C-T. GRCh37 (hg19) VCF-style: chr13-32936677-C-T.
Other names: short protein forms P2608L.
Identifiers: ClinVar variation 845849 (VCV000845849.13), dbSNP rs1555286825, ClinGen allele CA387746994.
Genomic context (GRCh38, chr13:32,362,540, plus strand): 5'-CCTATGTGGTTTTTATGATAATATTCTACTTTTATTTGTTCAGGGCTCTGTGTGACACTC[C>T]AGGTGTGGATCCAAAGCTTATTTCTAGAATTTGGGTTTATAATCACTATAGATGGATCAT-3'
Protein context (NP_000050.3, residues 2598-2618): EEFYRALCDT[Pro2608Leu]GVDPKLISRI

ClinVar aggregate classification (germline): Uncertain significance. Review status: criteria provided, multiple submitters, no conflicts (2 of 4 stars). 3 submissions from 3 submitters: Uncertain significance (3). Last evaluated 2023-03-07.

Conditions:
Hereditary breast ovarian cancer syndrome. Also called: Breast and ovarian cancer; Hereditary breast and ovarian cancer; Hereditary breast and/or ovarian cancer syndrome; BRCA1- and BRCA2-Associated Hereditary Breast and Ovarian Cancer; Hereditary breast and ovarian cancer syndrome; Hereditary breast and ovarian cancer syndrome (HBOC). Identifiers: Orphanet 145, MedGen C0677776, MeSH D061325, MONDO:0003582. Disease mechanism: loss of function.
Hereditary cancer-predisposing syndrome. Also called: Tumor predisposition; Hereditary neoplastic syndrome; Neoplastic Syndromes, Hereditary; Hereditary Cancer Syndrome. Identifiers: Orphanet 140162, MedGen C0027672, MeSH D009386, MONDO:0015356.

Submissions (3):

Ambry Genetics
Classification: Uncertain significance for Hereditary cancer-predisposing syndrome. Last evaluated: 2023-03-07. Review status: criteria provided, single submitter. Criteria: Ambry Variant Classification Scheme 2023. Collection method: clinical testing. Allele origin: germline.
Comment: The p.P2608L variant (also known as c.7823C>T), located in coding exon 16 of the BRCA2 gene, results from a C to T substitution at nucleotide position 7823. The proline at codon 2608 is replaced by leucine, an amino acid with similar properties. This amino acid position is highly conserved in available vertebrate species. In addition, this alteration is predicted to be deleterious by in silico analysis. Since supporting evidence is limited at this time, the clinical significance of this alteration remains unclear.

Color Diagnostics, LLC DBA Color Health
Classification: Uncertain significance for Hereditary cancer-predisposing syndrome. Last evaluated: 2021-02-16. Review status: criteria provided, single submitter. Criteria: ACMG Guidelines, 2015. Collection method: clinical testing. Allele origin: germline.
Comment: This missense variant replaces proline with leucine at codon 2608 of the BRCA2 protein. Computational prediction suggests that this variant may have deleterious impact on protein structure and function (internally defined REVEL score threshold >= 0.7, PMID: 27666373). To our knowledge, functional studies have not been reported for this variant. This variant has not been reported in individuals affected with hereditary cancer in the literature. This variant has not been identified in the general population by the Genome Aggregation Database (gnomAD). The available evidence is insufficient to determine the role of this variant in disease conclusively. Therefore, this variant is classified as a Variant of Uncertain Significance.

Labcorp Genetics (formerly Invitae), Labcorp
Classification: Uncertain significance for Hereditary breast ovarian cancer syndrome. Last evaluated: 2019-11-25. Review status: criteria provided, single submitter. Criteria: Invitae Variant Classification Sherloc (09022015). Collection method: clinical testing. Allele origin: germline.
Comment: This variant is not present in population databases (ExAC no frequency). In summary, the available evidence is currently insufficient to determine the role of this variant in disease. Therefore, it has been classified as a Variant of Uncertain Significance. Algorithms developed to predict the effect of missense changes on protein structure and function (SIFT, PolyPhen-2, Align-GVGD) all suggest that this variant is likely to be disruptive, but these predictions have not been confirmed by published functional studies and their clinical significance is uncertain. This variant has been reported in individuals in the Leiden Open-source Variation Database (PMID: 21520333). This sequence change replaces proline with leucine at codon 2608 of the BRCA2 protein (p.Pro2608Leu). The proline residue is highly conserved and there is a moderate physicochemical difference between proline and leucine.

Literature cited by the submitters: PubMed 21520333 (cited by Labcorp Genetics (formerly Invitae), Labcorp).